The following is an entry in ClinVar:

ClinVar aggregate classification (germline): Benign. Review status: criteria provided, multiple submitters, no conflicts (2 of 4 stars). 3 submissions from 3 submitters: Benign (3). Last evaluated 2026-02-04.

Allele frequency attached by ClinVar (database versions not stated): 1000 Genomes Project 30x 0.10572; gnomAD 0.11989 and 0.11733; gnomAD exomes 0.10925 and 0.10784; ESP Exome Variant Server 0.12471; 1000 Genomes Project 0.10343; ExAC 0.11104; TOPMed 0.11494.
gnomAD v4.1: 175,880 of 1,613,874 alleles (11%); highest among the groups gnomAD compares: Middle Eastern, 16%; 10,287 homozygotes.

Submissions (3):

Labcorp Genetics (formerly Invitae), Labcorp
Classification: Benign. Last evaluated: 2026-02-04. Review status: criteria provided, single submitter. Criteria: Invitae Variant Classification Sherloc (09022015). Collection method: clinical testing. Allele origin: germline.

Unidad de Genómica Garrahan, Hospital de Pediatría Garrahan
Classification: Benign. Last evaluated: 2024-01-24. Review status: criteria provided, single submitter. Criteria: ACMG Guidelines, 2015. Collection method: clinical testing. Allele origin: germline. Affected: no. Observed: 18 variant alleles.
Comment: This variant is classified as Benign based on local population frequency. This variant was detected in 20% of patients studied by a panel of primary immunodeficiencies. Number of patients: 18. Only high quality variants are reported.

Mayo Clinic Laboratories, Mayo Clinic
Classification: Benign. Last evaluated: 2022-09-06. Review status: criteria provided, single submitter. Criteria: ACMG Guidelines, 2015. Collection method: clinical testing. Allele origin: germline. Observed: 29 variant alleles.

NM_021813.4(BACH2):c.2295C>T (p.Asn765=)

Gene: BACH2 (BACH transcriptional regulator 2; minus strand). Cytogenetic location: 6q15.
Variant type: single nucleotide variant.
Coding change: c.2295C>T on transcript NM_021813.4 (MANE Select); coding-DNA position 2295, C replaced by T.
Protein change: p.Asn765=; no amino-acid change (asparagine 765 retained).
Molecular consequence: synonymous variant.
Genome position (GRCh38, 1-based): chr6:89,932,639, G>A on the plus strand (C>T on the coding strand, the complement: BACH2 is on the minus strand). VCF-style: chr6-89932639-G-A. GRCh37 (hg19) VCF-style: chr6-90642358-G-A.
Other names: p.Asn765=; c.2295C>T, p.Asn765= (NM_001170794.2).
Identifiers: ClinVar variation 1166831 (VCV001166831.12), dbSNP rs3798789, ClinGen allele CA3927823.